The following is an entry in ClinVar:

ClinVar aggregate classification (germline): Uncertain significance. Review status: criteria provided, multiple submitters, no conflicts (2 of 4 stars). 2 submissions from 2 submitters: Uncertain significance (2). Last evaluated 2025-04-12.

Allele frequency attached by ClinVar (database versions not stated): ESP Exome Variant Server 0.00008; ExAC 0.00012; gnomAD 0.00013; gnomAD exomes 0.00016; TOPMed 0.00017.
gnomAD v4.1: 263 of 1,613,554 alleles (0.016%); highest among the groups gnomAD compares: Non-Finnish European, 0.02%; no homozygotes.

Submissions (2):

Ambry Genetics
Classification: Uncertain significance. Last evaluated: 2025-04-12. Review status: criteria provided, single submitter. Criteria: Ambry Variant Classification Scheme 2023. Collection method: clinical testing. Allele origin: germline.

Labcorp Genetics (formerly Invitae), Labcorp
Classification: Uncertain significance. Last evaluated: 2022-01-17. Review status: criteria provided, single submitter. Criteria: Invitae Variant Classification Sherloc (09022015). Collection method: clinical testing. Allele origin: germline.
Comment: Algorithms developed to predict the effect of missense changes on protein structure and function are either unavailable or do not agree on the potential impact of this missense change (SIFT: "Deleterious"; PolyPhen-2: "Benign"; Align-GVGD: "Class C25"). In summary, the available evidence is currently insufficient to determine the role of this variant in disease. Therefore, it has been classified as a Variant of Uncertain Significance. This variant has not been reported in the literature in individuals affected with TAX1BP3-related conditions. This variant is present in population databases (rs143502151, gnomAD 0.02%). This sequence change replaces arginine, which is basic and polar, with cysteine, which is neutral and slightly polar, at codon 22 of the TAX1BP3 protein (p.Arg22Cys).

NM_014604.4(TAX1BP3):c.64C>T (p.Arg22Cys)

Genes: P2RX5-TAX1BP3 (P2RX5-TAX1BP3 readthrough (NMD candidate); minus strand), TAX1BP3 (Tax1 binding protein 3; minus strand). Cytogenetic location: 17p13.2.
Variant type: single nucleotide variant.
Coding change: c.64C>T on transcript NM_014604.4 (MANE Select); coding-DNA position 64, C replaced by T.
Protein change: p.Arg22Cys; replaces arginine 22 with cysteine.
Molecular consequence: missense variant. On other transcripts: non-coding transcript variant (1).
Genome position (GRCh38, 1-based): chr17:3,664,774, G>A on the plus strand (C>T on the coding strand, the complement: TAX1BP3 is on the minus strand). VCF-style: chr17-3664774-G-A. GRCh37 (hg19) VCF-style: chr17-3568068-G-A.
Other names: c.64C>T, p.Arg22Cys (NM_001204698.2); short protein forms R22C.
Identifiers: ClinVar variation 1912204 (VCV001912204.7), dbSNP rs143502151, ClinGen allele CA8292242.